The following is an entry in ClinVar:

ClinVar aggregate classification (germline): Benign (0 of 4 stars; one submission).

Conditions:
CACNA2D3-related disorder. Also called: CACNA2D3-related condition.

Allele frequency attached by ClinVar (database versions not stated): gnomAD exomes 0.00049; ExAC 0.00166; 1000 Genomes Project 0.00459; ESP Exome Variant Server 0.00502; gnomAD 0.00518; 1000 Genomes Project 30x 0.00531; TOPMed 0.00580.
gnomAD v4.1: 1,521 of 1,613,664 alleles (0.094%); highest among the groups gnomAD compares: African/African-American, 1.8%; 16 homozygotes.

Submission:

PreventionGenetics, part of Exact Sciences
Classification: Benign for CACNA2D3-related condition. Last evaluated: 2021-06-15. Review status: no assertion criteria provided. Collection method: clinical testing. Allele origin: germline.
Comment: This variant is classified as benign based on ACMG/AMP sequence variant interpretation guidelines (Richards et al. 2015 PMID: 25741868, with internal and published modifications).

NM_018398.3(CACNA2D3):c.1399-7C>T

Gene: CACNA2D3 (calcium voltage-gated channel auxiliary subunit alpha2delta 3; plus strand). Cytogenetic location: 3p14.3.
Variant type: single nucleotide variant.
Coding change: c.1399-7C>T on transcript NM_018398.3 (MANE Select); 7 bases into the intron before coding-DNA position 1399, C replaced by T.
Molecular consequence: intron variant.
Genome position (GRCh38, 1-based): chr3:54,837,152, C>T. VCF-style: chr3-54837152-C-T. GRCh37 (hg19) VCF-style: chr3-54871179-C-T.
Identifiers: ClinVar variation 3043620 (VCV003043620.2), dbSNP rs17054453, ClinGen allele CA2457746.